The following is an entry in ClinVar:

NM_004104.5(FASN):c.4066A>G (p.Ile1356Val)

Gene: FASN (fatty acid synthase; minus strand). Cytogenetic location: 17q25.3.
Variant type: single nucleotide variant.
Coding change: c.4066A>G on transcript NM_004104.5 (MANE Select); coding-DNA position 4066, A replaced by G.
Protein change: p.Ile1356Val; replaces isoleucine 1356 with valine.
Molecular consequence: missense variant.
Genome position (GRCh38, 1-based): chr17:82,085,538, T>C on the plus strand (A>G on the coding strand, the complement: FASN is on the minus strand). VCF-style: chr17-82085538-T-C. GRCh37 (hg19) VCF-style: chr17-80043414-T-C.
Other names: short protein forms I1356V.
Identifiers: ClinVar variation 3645091 (VCV003645091.2).

ClinVar aggregate classification (germline): Uncertain significance (1 of 4 stars; one submission).

Conditions:
Epileptic encephalopathy. Identifiers: MedGen C0543888, HP:0200134.

gnomAD v4.1: 7 of 1,596,390 alleles (0.00044%); highest among the groups gnomAD compares: Admixed American, 0.01%; no homozygotes.

Submission:

Labcorp Genetics (formerly Invitae), Labcorp
Classification: Uncertain significance for Epileptic encephalopathy. Last evaluated: 2024-08-08. Review status: criteria provided, single submitter. Criteria: Invitae Variant Classification Sherloc (09022015). Collection method: clinical testing. Allele origin: germline.
Comment: This sequence change replaces isoleucine, which is neutral and non-polar, with valine, which is neutral and non-polar, at codon 1356 of the FASN protein (p.Ile1356Val). This variant is present in population databases (no rsID available, gnomAD 0.007%). This variant has not been reported in the literature in individuals affected with FASN-related conditions. An algorithm developed to predict the effect of missense changes on protein structure and function (PolyPhen-2) suggests that this variant is likely to be tolerated. In summary, the available evidence is currently insufficient to determine the role of this variant in disease. Therefore, it has been classified as a Variant of Uncertain Significance.